The following is an entry in ClinVar:

ClinVar aggregate classification (germline): Uncertain significance (1 of 4 stars; one submission).

Conditions:
Joubert syndrome. Also called: CEREBELLOPARENCHYMAL DISORDER IV; JOUBERT-BOLTSHAUSER SYNDROME; Familial aplasia of the vermis. Identifiers: Orphanet 475, MedGen C5979921, MONDO:0018772.
Orofaciodigital syndrome I (OFD1). Also called: OFDS I; Papillon-Leage and Psaume Syndrome; Oral-Facial-Digital Syndrome Type I. Identifiers: Orphanet 2750, MedGen C1510460, MONDO:0010702, OMIM 311200.

Submission:

Labcorp Genetics (formerly Invitae), Labcorp
Classification: Uncertain significance for Orofaciodigital syndrome I; Joubert syndrome. Last evaluated: 2025-01-07. Review status: criteria provided, single submitter. Criteria: Invitae Variant Classification Sherloc (09022015). Collection method: clinical testing. Allele origin: germline.
Comment: This sequence change falls in intron 5 of the OFD1 gene. It does not directly change the encoded amino acid sequence of the OFD1 protein. This variant is not present in population databases (gnomAD no frequency). This variant has not been reported in the literature in individuals affected with OFD1-related conditions. Algorithms developed to predict the effect of sequence changes on RNA splicing suggest that this variant may disrupt the consensus splice site. In summary, the available evidence is currently insufficient to determine the role of this variant in disease. Therefore, it has been classified as a Variant of Uncertain Significance.

NM_003611.3(OFD1):c.413-10T>C

Gene: OFD1 (OFD1 centriole and centriolar satellite protein; plus strand). Cytogenetic location: Xp22.2.
Variant type: single nucleotide variant.
Coding change: c.413-10T>C on transcript NM_003611.3 (MANE Select); 10 bases into the intron before coding-DNA position 413, T replaced by C.
Molecular consequence: intron variant.
Genome position (GRCh38, 1-based): chrX:13,744,405, T>C. VCF-style: chrX-13744405-T-C. GRCh37 (hg19) VCF-style: chrX-13762524-T-C.
Other names: c.-8-10T>C (NM_001330210.2); c.413-10T>C (NM_001330209.2).
Identifiers: ClinVar variation 3751077 (VCV003751077.2).